The following is an entry in ClinVar:

ClinVar aggregate classification (germline): Uncertain significance. Review status: criteria provided, multiple submitters, no conflicts (2 of 4 stars). 4 submissions from 4 submitters: Uncertain significance (4). Last evaluated 2025-12-21.

Conditions:
Cardiovascular phenotype. Identifiers: MedGen CN230736.
Atrial fibrillation, familial, 13 (ATFB13). Identifiers: MedGen C3809311, MONDO:0014155, OMIM 615377.
Generalized epilepsy with febrile seizures plus, type 1 (GEFSP1). Also called: GEFS+, TYPE 1. Identifiers: Orphanet 36387, MedGen C1858672, MONDO:0011416, OMIM 604233.
Developmental and epileptic encephalopathy, 52 (DEE52). Also called: Epileptic encephalopathy, early infantile, 52. Identifiers: MedGen C4479236, MONDO:0033361, OMIM 617350.
Brugada syndrome 5 (BRGDA5). Identifiers: Orphanet 130, Orphanet 871, MedGen C2748541, MONDO:0013015, OMIM 612838.

Allele frequency attached by ClinVar (database versions not stated): gnomAD 0.00003; TOPMed 0.00004; ExAC 0.00005; gnomAD exomes 0.00005; 1000 Genomes Project 30x 0.00016; 1000 Genomes Project 0.00020.
gnomAD v4.1: 30 of 1,614,126 alleles (0.0019%); highest among the groups gnomAD compares: Admixed American, 0.027%; no homozygotes.

Submissions (4):

Labcorp Genetics (formerly Invitae), Labcorp
Classification: Uncertain significance for Brugada syndrome 5. Last evaluated: 2025-12-21. Review status: criteria provided, single submitter. Criteria: Invitae Variant Classification Sherloc (09022015). Collection method: clinical testing. Allele origin: germline.
Comment: This sequence change replaces arginine, which is basic and polar, with histidine, which is basic and polar, at codon 45 of the SCN1B protein (p.Arg45His). This variant is present in population databases (rs180943300, gnomAD 0.01%). This variant has not been reported in the literature in individuals affected with SCN1B-related conditions. ClinVar contains an entry for this variant (Variation ID: 190857). An algorithm developed to predict the effect of missense changes on protein structure and function (PolyPhen-2) suggests that this variant is likely to be disruptive. In summary, the available evidence is currently insufficient to determine the role of this variant in disease. Therefore, it has been classified as a Variant of Uncertain Significance.

Ambry Genetics
Classification: Uncertain significance for Cardiovascular phenotype. Last evaluated: 2025-09-12. Review status: criteria provided, single submitter. Criteria: Ambry Variant Classification Scheme 2023. Collection method: clinical testing. Allele origin: germline.
Comment: The p.R45H variant (also known as c.134G>A), located in coding exon 2 of the SCN1B gene, results from a G to A substitution at nucleotide position 134. The arginine at codon 45 is replaced by histidine, an amino acid with highly similar properties. This amino acid position is conserved. In addition, the in silico prediction for this alteration is inconclusive. Based on the available evidence, the clinical significance of this variant remains unclear for autosomal recessive SCN1B-related developmental and epileptic encephalopathy; however, it is unlikely to be causative of autosomal dominant SCN1B-related epilepsy and Brugada syndrome.

GeneDx
Classification: Uncertain significance. Last evaluated: 2019-01-04. Review status: criteria provided, single submitter. Criteria: GeneDx Variant Classification (06012015). Collection method: clinical testing. Allele origin: germline. Affected: yes.
Comment: A variant of uncertain significance has been identified in the SCN1B gene. The R45H variant has notbeen published as a pathogenic variant, nor has it been reported as a benign variant to our knowledge. This variant is observed in 3/34418 (0.02%) alleles from individuals of Latino background, in large population cohorts (Lek et al., 2016). The R45H variant is a conservative amino acid substitution, which is not likely to impact secondary protein structure as these residues share similar properties. However, in-silico analyses, including protein predictors and evolutionary conservation, support adeleterious effect. Therefore, based on the currently available information, it is unclear whether this variant is a pathogenic variant or a rare benign variant.

Fulgent Genetics
Classification: Uncertain significance for Generalized epilepsy with febrile seizures plus, type 1; Brugada syndrome 5; Atrial fibrillation, familial, 13; Developmental and epileptic encephalopathy, 52. Last evaluated: 2018-10-31. Review status: criteria provided, single submitter. Criteria: ACMG Guidelines, 2015. Collection method: clinical testing. Allele origin: unknown.

Literature cited by the submitters: PubMed 39363051 (cited by Ambry Genetics).

NM_001037.5(SCN1B):c.134G>A (p.Arg45His)

Gene: SCN1B (sodium voltage-gated channel beta subunit 1; plus strand). Cytogenetic location: 19q13.11.
Variant type: single nucleotide variant.
Coding change: c.134G>A on transcript NM_001037.5 (MANE Select); coding-DNA position 134, G replaced by A.
Protein change: p.Arg45His; replaces arginine 45 with histidine.
Molecular consequence: missense variant.
Genome position (GRCh38, 1-based): chr19:35,032,621, G>A. VCF-style: chr19-35032621-G-A. GRCh37 (hg19) VCF-style: chr19-35523525-G-A.
Other names: p.R45H:CGC>CAC; c.35G>A, p.Arg12His (NM_001321605.2); c.134G>A, p.Arg45His (NM_199037.5); short protein forms R45H, R12H.
Identifiers: ClinVar variation 190857 (VCV000190857.15), dbSNP rs180943300, ClinGen allele CA302149.
Genomic context (GRCh38, chr19:35,032,621, plus strand): 5'-ACTCGGAGACCGAGGCCGTGTATGGGATGACCTTCAAAATTCTTTGCATCTCCTGCAAGC[G>A]CCGCAGCGAGACCAACGCTGAGACCTTCACCGAGTGGACCTTCCGCCAGAAGGGCACTGA-3'
Protein context (NP_001028.1, residues 35-55): TFKILCISCK[Arg45His]RSETNAETFT